The following is an entry in ClinVar:

NM_000540.3(RYR1):c.7349C>A (p.Ala2450Asp)

Gene: RYR1 (ryanodine receptor 1; plus strand). Cytogenetic location: 19q13.2.
Variant type: single nucleotide variant.
Coding change: c.7349C>A on transcript NM_000540.3 (MANE Select); coding-DNA position 7349, C replaced by A.
Protein change: p.Ala2450Asp; replaces alanine 2450 with aspartic acid.
Molecular consequence: missense variant.
Genome position (GRCh38, 1-based): chr19:38,500,631, C>A. VCF-style: chr19-38500631-C-A. GRCh37 (hg19) VCF-style: chr19-38991271-C-A.
Other names: c.7349C>A, p.Ala2450Asp (NM_001042723.2); short protein forms A2450D.
Identifiers: ClinVar variation 3346326 (VCV003346326.2).

ClinVar aggregate classification (germline): Uncertain significance. Review status: criteria provided, single submitter (1 of 4 stars). 2 submissions from 2 submitters: Uncertain significance (1). 1 of the submissions does not count toward it. Last evaluated 2023-12-06.

Conditions:
RYR1-related disorder. Also called: RYR1-related disorders; RYR1-related condition. Identifiers: MedGen CN239331.

gnomAD v4.1: 1 of 1,613,382 alleles (0.000062%); highest among the groups gnomAD compares: African/African-American, 0.0013%; no homozygotes.

Submissions (2):

Revvity Omics, Revvity
Classification: Uncertain significance. Last evaluated: 2023-12-06. Review status: criteria provided, single submitter. Criteria: ACMG Guidelines, 2015. Collection method: clinical testing. Allele origin: germline.

PreventionGenetics, part of Exact Sciences
Classification: Uncertain significance for RYR1-related condition. Last evaluated: 2024-06-28. Review status: no assertion criteria provided. Collection method: clinical testing. Allele origin: germline. Not counted in ClinVar's aggregate classification.
Comment: The RYR1 c.7349C>A variant is predicted to result in the amino acid substitution p.Ala2450Asp. To our knowledge, this variant has not been reported in the literature or in a large population database, indicating this variant is rare. At this time, the clinical significance of this variant is uncertain due to the absence of conclusive functional and genetic evidence.